The following is an entry in ClinVar:

NM_002936.6(RNASEH1):c.206C>A (p.Ala69Asp)

Gene: RNASEH1 (ribonuclease H1; minus strand). Cytogenetic location: 2p25.3.
Variant type: single nucleotide variant.
Coding change: c.206C>A on transcript NM_002936.6 (MANE Select); coding-DNA position 206, C replaced by A.
Protein change: p.Ala69Asp; replaces alanine 69 with aspartic acid.
Molecular consequence: missense variant. On other transcripts: 5 prime UTR variant (1), non-coding transcript variant (6).
Genome position (GRCh38, 1-based): chr2:3,556,827, G>T on the plus strand (C>A on the coding strand, the complement: RNASEH1 is on the minus strand). VCF-style: chr2-3556827-G-T. GRCh37 (hg19) VCF-style: chr2-3604417-G-T.
Other names: c.128C>A, p.Ala43Asp (NM_001286834.3); c.-146C>A (NM_001286837.3); c.206C>A, p.Ala69Asp (NM_001378271.1, NM_001378272.1, NM_001378273.1); short protein forms A69D, A43D.
Identifiers: ClinVar variation 3703958 (VCV003703958.1).

ClinVar aggregate classification (germline): Uncertain significance (1 of 4 stars; one submission).

gnomAD v4.1: 18 of 1,613,888 alleles (0.0011%); highest among the groups gnomAD compares: Non-Finnish European, 0.0013%; no homozygotes.

Submission:

Labcorp Genetics (formerly Invitae), Labcorp
Classification: Uncertain significance. Last evaluated: 2024-11-11. Review status: criteria provided, single submitter. Criteria: Invitae Variant Classification Sherloc (09022015). Collection method: clinical testing. Allele origin: germline.
Comment: This sequence change replaces alanine, which is neutral and non-polar, with aspartic acid, which is acidic and polar, at codon 69 of the RNASEH1 protein (p.Ala69Asp). This variant is present in population databases (rs775994234, gnomAD 0.003%). This variant has not been reported in the literature in individuals affected with RNASEH1-related conditions. Invitae Evidence Modeling of protein sequence and biophysical properties (such as structural, functional, and spatial information, amino acid conservation, physicochemical variation, residue mobility, and thermodynamic stability) indicates that this missense variant is not expected to disrupt RNASEH1 protein function with a negative predictive value of 80%. In summary, the available evidence is currently insufficient to determine the role of this variant in disease. Therefore, it has been classified as a Variant of Uncertain Significance.